The following is an entry in ClinVar:

NM_020821.3(VPS13C):c.8708C>T (p.Ser2903Phe)

Gene: VPS13C (vacuolar protein sorting 13 homolog C; minus strand). Cytogenetic location: 15q22.2.
Variant type: single nucleotide variant.
Coding change: c.8708C>T on transcript NM_020821.3 (MANE Select); coding-DNA position 8708, C replaced by T.
Protein change: p.Ser2903Phe; replaces serine 2903 with phenylalanine.
Molecular consequence: missense variant.
Genome position (GRCh38, 1-based): chr15:61,911,847, G>A on the plus strand (C>T on the coding strand, the complement: VPS13C is on the minus strand). VCF-style: chr15-61911847-G-A. GRCh37 (hg19) VCF-style: chr15-62204046-G-A.
Other names: c.8708C>T, p.Ser2903Phe (NM_001018088.3); c.8579C>T, p.Ser2860Phe (NM_017684.5, NM_018080.4); short protein forms S2903F, S2860F.
Identifiers: ClinVar variation 1493467 (VCV001493467.8), dbSNP rs2043310537, ClinGen allele CA392676104.

ClinVar aggregate classification (germline): Uncertain significance (1 of 4 stars; one submission).

Allele frequency attached by ClinVar (database versions not stated): gnomAD 0.00001; gnomAD exomes 0.00001; TOPMed 0.00002.
gnomAD v4.1: 5 of 1,594,282 alleles (0.00031%); highest among the groups gnomAD compares: Non-Finnish European, 0.00043%; no homozygotes.

Submission:

Labcorp Genetics (formerly Invitae), Labcorp
Classification: Uncertain significance. Last evaluated: 2021-05-25. Review status: criteria provided, single submitter. Criteria: Invitae Variant Classification Sherloc (09022015). Collection method: clinical testing. Allele origin: germline.
Comment: In summary, the available evidence is currently insufficient to determine the role of this variant in disease. Therefore, it has been classified as a Variant of Uncertain Significance. Algorithms developed to predict the effect of missense changes on protein structure and function are either unavailable or do not agree on the potential impact of this missense change (SIFT: "Deleterious"; PolyPhen-2: "Probably Damaging"; Align-GVGD: "Class C15"). This variant has not been reported in the literature in individuals with VPS13C-related conditions. This variant is not present in population databases (ExAC no frequency). This sequence change replaces serine with phenylalanine at codon 2903 of the VPS13C protein (p.Ser2903Phe). The serine residue is moderately conserved and there is a large physicochemical difference between serine and phenylalanine.